The following is an entry in ClinVar:

NM_001999.4(FBN2):c.6096_6097insACCTGGTACCTGT (p.Gln2033fs)

Gene: FBN2 (fibrillin 2; minus strand). Cytogenetic location: 5q23.3.
Variant type: Insertion.
Coding change: c.6096_6097insACCTGGTACCTGT on transcript NM_001999.4 (MANE Select); coding-DNA positions 6096 to 6097, ACCTGGTACCTGT inserted.
Protein change: p.Gln2033fs; shifts the reading frame from glutamine 2033.
Molecular consequence: frameshift variant.
Genome position: GRCh38 VCF-style: chr5-128300886-G-GACAGGTACCAGGT. GRCh37 (hg19) VCF-style: chr5-127636578-G-GACAGGTACCAGGT.
Other names: short protein forms Q2033fs.
Identifiers: ClinVar variation 4736122 (VCV004736122.1).

ClinVar aggregate classification (germline): Uncertain significance (1 of 4 stars; one submission).

Conditions:
Congenital contractural arachnodactyly (CCA). Also called: Beals-Hecht syndrome; BEALS SYNDROME; Arthrogryposis, distal, type 9. Identifiers: Orphanet 115, MedGen C0220668, MONDO:0007363, OMIM 121050.

Submission:

Labcorp Genetics (formerly Invitae), Labcorp
Classification: Uncertain significance for Congenital contractural arachnodactyly. Last evaluated: 2026-01-25. Review status: criteria provided, single submitter. Criteria: Invitae Variant Classification Sherloc (09022015). Collection method: clinical testing. Allele origin: germline.
Comment: This sequence change creates a premature translational stop signal (p.Gln2033Thrfs*20) in the FBN2 gene. It is expected to result in an absent or disrupted protein product. However, the current clinical and genetic evidence is not sufficient to establish whether loss-of-function variants in FBN2 cause disease. This variant is not present in population databases (gnomAD no frequency). This variant has not been reported in the literature in individuals affected with FBN2-related conditions. In summary, the available evidence is currently insufficient to determine the role of this variant in disease. Therefore, it has been classified as a Variant of Uncertain Significance.